The following is an entry in ClinVar:

ClinVar aggregate classification (germline): Pathogenic (1 of 4 stars; one submission).

Conditions:
Fabry disease. Also called: ALPHA-GALACTOSIDASE A DEFICIENCY; ANDERSON-FABRY DISEASE; CERAMIDE TRIHEXOSIDASE DEFICIENCY; GLA DEFICIENCY; HEREDITARY DYSTOPIC LIPIDOSIS; Angiokeratoma corporis diffusum. Identifiers: Orphanet 324, MedGen C0002986, MONDO:0010526, OMIM 301500, HP:0001071. Disease mechanism: Fabry disease is due to inactivating mutations in the X-linked GLA gene resulting in deficiency of the enzyme Alpha Galactosidase-A., loss of function.

Submission:

Genomenon, Inc
Classification: Pathogenic for Fabry disease. Last evaluated: 2026-09-08. Review status: criteria provided, single submitter. Criteria: Genomenon Sequence Variant Interpretation Standards - Updated. Collection method: curation. Allele origin: germline. Affected: yes.
Comment: GLA p.Met187Arg (c.560T>G) is a missense variant that changes the amino acid at codon 187 from Methionine to Arginine. This variant has been observed in at least one proband with clinical features consistent with Fabry disease (PMID:30996283;33258999;24679964). The variant was found to segregate with disease in at least one affected family (PMID:24679964). At least one functional study has demonstrated a substantial alteration in protein function relative to the wild-type (PMID:32023956;27657681). It is absent or not present at a significant frequency in gnomAD. In silico models predict that this variant is possibly or probably damaging. In conclusion, we classify GLA p.Met187Arg (c.560T>G) as a pathogenic variant.

Literature cited by the submitters: PubMed 30996283; PubMed 33258999; PubMed 24679964; PubMed 32023956; PubMed 27657681.

NM_000169.3(GLA):c.560T>G (p.Met187Arg)

Genes: GLA (galactosidase alpha; minus strand), RPL36A-HNRNPH2 (RPL36A-HNRNPH2 readthrough; plus strand). Cytogenetic location: Xq22.1.
Variant type: single nucleotide variant.
Coding change: c.560T>G on transcript NM_000169.3 (MANE Select); coding-DNA position 560, T replaced by G.
Protein change: p.Met187Arg; replaces methionine 187 with arginine.
Molecular consequence: missense variant. On other transcripts: non-coding transcript variant (2), intron variant (2).
Genome position (GRCh38, 1-based): chrX:101,400,745, A>C on the plus strand (T>G on the coding strand, the complement: GLA is on the minus strand). VCF-style: chrX-101400745-A-C. GRCh37 (hg19) VCF-style: chrX-100655733-A-C.
Other names: c.683T>G, p.Met228Arg (NM_001406747.1); c.560T>G, p.Met187Arg (NM_001406748.1); c.300+5288A>C (NM_001199973.2); c.177+8923A>C (NM_001199974.2); short protein forms M187R, M228R.
Identifiers: ClinVar variation 4087420 (VCV004087420.2), dbSNP rs869312342.